The following is an entry in ClinVar:

NM_006231.4(POLE):c.1470C>T (p.Asp490=)

Gene: POLE (DNA polymerase epsilon, catalytic subunit; minus strand). Cytogenetic location: 12q24.33.
Variant type: single nucleotide variant.
Coding change: c.1470C>T on transcript NM_006231.4 (MANE Select); coding-DNA position 1470, C replaced by T.
Protein change: p.Asp490=; no amino-acid change (aspartic acid 490 retained).
Molecular consequence: synonymous variant.
Genome position (GRCh38, 1-based): chr12:132,673,167, G>A on the plus strand (C>T on the coding strand, the complement: POLE is on the minus strand). VCF-style: chr12-132673167-G-A. GRCh37 (hg19) VCF-style: chr12-133249753-G-A.
Identifiers: ClinVar variation 220802 (VCV000220802.38), dbSNP rs5744777, ClinGen allele CA349515.

ClinVar aggregate classification (germline): Benign/Likely benign. Review status: criteria provided, multiple submitters, no conflicts (2 of 4 stars). 18 submissions from 18 submitters: Benign (12); Likely benign (1). 5 of the submissions do not count toward it. Last evaluated 2026-02-03.

Conditions:
Hereditary cancer-predisposing syndrome. Also called: Hereditary Cancer Syndrome; Tumor predisposition; Hereditary neoplastic syndrome; Neoplastic Syndromes, Hereditary. Identifiers: Orphanet 140162, MedGen C0027672, MeSH D009386, MONDO:0015356.
Colorectal cancer, susceptibility to, 12 (CRCS12). Also called: COLORECTAL CANCER, SUSCEPTIBILITY TO, ON CHROMOSOME 12q24. Identifiers: Orphanet 220460, MedGen C3554460, MONDO:0014038, OMIM 615083.
Carcinoma of colon (CRC). Also called: Colonic carcinoma; Colon carcinoma. Identifiers: MedGen C0699790, MONDO:0002032.

Allele frequency attached by ClinVar (database versions not stated): 1000 Genomes Project 30x 0.00578; gnomAD 0.00614 and 0.00679; gnomAD exomes 0.00176; ESP Exome Variant Server 0.00692; ExAC 0.00199; 1000 Genomes Project 0.00539; TOPMed 0.00696.
gnomAD v4.1: 2,001 of 1,595,862 alleles (0.13%); highest among the groups gnomAD compares: African/African-American, 2.1%; 16 homozygotes.

Submissions (18):

Labcorp Genetics (formerly Invitae), Labcorp
Classification: Benign. Last evaluated: 2026-02-03. Review status: criteria provided, single submitter. Criteria: Invitae Variant Classification Sherloc (09022015). Collection method: clinical testing. Allele origin: germline.

Institute for Biomarker Research, Medical Diagnostic Laboratories, L.L.C.
Classification: Benign for Hereditary cancer-predisposing syndrome. Last evaluated: 2025-11-13. Review status: criteria provided, single submitter. Criteria: ACMG Guidelines, 2015. Collection method: clinical testing. Allele origin: germline.
Comment: The synonymous variant NM_006231.4(POLE):c.1470C>T (p.Asp490=) has been reported to ClinVar as Benign/Likely benign with a status of (2 stars) criteria provided, multiple submitters, no conflicts (Accession: VCV000220802.35). The p.Asp490= variant is observed in 353/16,256 (2.1715%) alleles from individuals of gnomAD African background in gnomAD, indicating it is a common benign variant. The p.Asp490= variant is not predicted to disrupt the existing donor splice site 4bp upstream by any splice site algorithm. The p.Asp490= variant results in a substitution of a base that is not predicted conserved by GERP++ and PhyloP. For these reasons, this variant has been classified as Benign

ARUP Laboratories, Molecular Genetics and Genomics, ARUP Laboratories
Classification: Benign. Last evaluated: 2025-04-09. Review status: criteria provided, single submitter. Criteria: ARUP Molecular Germline Variant Investigation Process 2024. Collection method: clinical testing. Allele origin: germline.

Center for Genomic Medicine, Rigshospitalet, Copenhagen University Hospital
Classification: Benign. Last evaluated: 2025-03-04. Review status: criteria provided, single submitter. Criteria: ACMG Guidelines, 2015. Collection method: clinical testing. Allele origin: germline.

KCCC/NGS Laboratory, Kuwait Cancer Control Center
Classification: Benign for Colorectal cancer, susceptibility to, 12. Last evaluated: 2023-07-07. Review status: criteria provided, single submitter. Criteria: ACMG Guidelines, 2015. Collection method: clinical testing. Allele origin: germline. Affected: yes.

Myriad Genetics, Inc.
Classification: Benign for Colorectal cancer, susceptibility to, 12. Last evaluated: 2023-04-19. Review status: criteria provided, single submitter. Criteria: Myriad Autosomal Dominant, Autosomal Recessive and X-Linked Classification Criteria (2023). Collection method: clinical testing. Allele origin: unknown.
Comment: This variant is considered benign. This variant is a silent/synonymous amino acid change and it is not expected to impact splicing.

Women's Health and Genetics/Laboratory Corporation of America, LabCorp
Classification: Benign. Last evaluated: 2019-08-02. Review status: criteria provided, single submitter. Criteria: LabCorp Variant Classification Summary - May 2015. Collection method: clinical testing. Allele origin: germline.

GeneDx
Classification: Benign. Last evaluated: 2018-06-26. Review status: criteria provided, single submitter. Criteria: GeneDx Variant Classification Process June 2021. Collection method: clinical testing. Allele origin: germline. Affected: yes.
Comment: This variant is associated with the following publications: (PMID: 25224212)

Quest Diagnostics Nichols Institute San Juan Capistrano
Classification: Benign. Last evaluated: 2018-05-22. Review status: criteria provided, single submitter. Criteria: Quest Diagnostics criteria. Collection method: clinical testing. Allele origin: unknown.

Genetic Services Laboratory, University of Chicago
Classification: Benign. Last evaluated: 2017-07-25. Review status: criteria provided, single submitter. Criteria: ACMG Guidelines, 2015. Collection method: clinical testing. Allele origin: germline. Affected: no.

PreventionGenetics, part of Exact Sciences
Classification: Benign. Last evaluated: 2016-10-03. Review status: criteria provided, single submitter. Criteria: ACMG Guidelines, 2015. Collection method: clinical testing. Allele origin: germline.

Ambry Genetics
Classification: Benign for Hereditary cancer-predisposing syndrome. Last evaluated: 2015-06-01. Review status: criteria provided, single submitter. Criteria: Ambry Variant Classification Scheme 2023. Collection method: clinical testing. Allele origin: germline.

Breakthrough Genomics
Classification: Likely benign. Review status: criteria provided, single submitter. Criteria: ACMG Guidelines, 2015. Collection method: not provided. Allele origin: germline. Inheritance: Autosomal recessive inheritance. Affected: yes.

Counsyl
Classification: Benign for Colorectal cancer, susceptibility to, 12. Last evaluated: 2016-06-07. Review status: no assertion criteria provided. Collection method: clinical testing. Allele origin: unknown. Not counted in ClinVar's aggregate classification.

Clinical Genetics, Academic Medical Center
Classification: Benign. Review status: no assertion criteria provided. Collection method: clinical testing. Allele origin: germline. Affected: yes. Study: VKGL Data-share Consensus. Not counted in ClinVar's aggregate classification.

Department of Pathology and Laboratory Medicine, Sinai Health System
Classification: Benign for Carcinoma of colon. Review status: no assertion criteria provided. Collection method: clinical testing. Allele origin: unknown. Affected: yes. Study: The Canadian Open Genetics Repository (COGR). Not counted in ClinVar's aggregate classification.
Comment: The POLE p.Asp490= variant was identified in the literature as a polymorphism in 8 of 544 endometrial tumours (Billingsley 2015). The variant was also identified in dbSNP (ID: rs5744777) as â€šÃ„ÃºWith Likely benign alleleâ€šÃ„Ã¹ and in ClinVar (classified benign by Invitae, Ambry Genetics, Counsyl, Prevention Genetics and Quest Diagnostics Nichols Institute San Juan Capistrano; and likely benign by GeneDx). The variant was identified in control databases in 596 (5 homozygous) of 277152 chromosomes at a frequency of 0.002 increasing the likelihood this could be a low frequency benign variant (Genome Aggregation Database Feb 27, 2017). Tche variant was observed in the following populations: African in 511 of 24034 chromosomes (freq: 0.02), Other in 2 of 6466 chromosomes (freq: 0.0003), Latino in 37 of 34420 chromosomes (freq: 0.001), European Non-Finnish in 43 of 126646 chromosomes (freq: 0.0003), and South Asian in 3 of 30782 chromosomes (freq: 0.0001) while not observed in the Ashkenazi Jewish, East Asian and Finnish populations. The p.Asp490= variant is not expected to have clinical significance because it does not result in a change of amino acid and is not located in a known consensus splice site. The variant occurs 4 nucleotides from the end of exon 14 and in silico or computational prediction software programs (SpliceSiteFinder, MaxEntScan, NNSPLICE, GeneSplicer) do not predict a difference in splicing. In summary, based on the above information this variant meets our laboratory's criteria to be classified as benign.

Genome Diagnostics Laboratory, Amsterdam University Medical Center
Classification: Benign. Review status: no assertion criteria provided. Collection method: clinical testing. Allele origin: germline. Affected: yes. Study: VKGL Data-share Consensus. Not counted in ClinVar's aggregate classification.

Joint Genome Diagnostic Labs from Nijmegen and Maastricht, Radboudumc and MUMC+
Classification: Benign. Review status: no assertion criteria provided. Collection method: clinical testing. Allele origin: germline. Affected: yes. Study: VKGL Data-share Consensus. Not counted in ClinVar's aggregate classification.